The following is an entry in ClinVar:

ClinVar aggregate classification (germline): not provided (0 of 4 stars; one submission).

Allele frequency attached by ClinVar (database versions not stated): gnomAD 0.00001; gnomAD exomes 0.00001; TOPMed 0.00003.
gnomAD v4.1: 10 of 1,520,700 alleles (0.00066%); highest among the groups gnomAD compares: African/African-American, 0.007%; no homozygotes.

Submission:

ITMI
No classification provided. Condition: AllHighlyPenetrant. Last evaluated: 2013-09-19. Review status: no classification provided. Collection method: reference population. Allele origin: germline.
Comment: Please see associated publication for description of ethnicities

Literature cited by the submitters: PubMed 24728327.

NM_014225.6(PPP2R1A):c.78+62C>G

Gene: PPP2R1A (protein phosphatase 2 scaffold subunit Aalpha; plus strand). Cytogenetic location: 19q13.41.
Variant type: single nucleotide variant.
Coding change: c.78+62C>G on transcript NM_014225.6 (MANE Select); 62 bases into the intron after coding-DNA position 78, C replaced by G.
Molecular consequence: intron variant.
Genome position (GRCh38, 1-based): chr19:52,190,236, C>G. VCF-style: chr19-52190236-C-G. GRCh37 (hg19) VCF-style: chr19-52693489-C-G.
Identifiers: ClinVar variation 133377 (VCV000133377.1), dbSNP rs575654670, ClinGen allele CA156468.